The following is an entry in ClinVar:

ClinVar aggregate classification (germline): Likely pathogenic (1 of 4 stars; one submission).

Conditions:
Hereditary cancer-predisposing syndrome. Also called: Neoplastic Syndromes, Hereditary; Tumor predisposition; Hereditary neoplastic syndrome; Hereditary Cancer Syndrome. Identifiers: Orphanet 140162, MedGen C0027672, MeSH D009386, MONDO:0015356.

Submission:

Ambry Genetics
Classification: Likely pathogenic for Hereditary cancer-predisposing syndrome. Last evaluated: 2026-06-24. Review status: criteria provided, single submitter. Criteria: Ambry Variant Classification Scheme 2023. Collection method: clinical testing. Allele origin: germline.
Comment: The p.C130Y variant (also known as c.389G>A), located in coding exon 4 of the BMPR1A gene, results from a G to A substitution at nucleotide position 389. The cysteine at codon 130 is replaced by tyrosine, an amino acid with highly dissimilar properties. Other variant(s) at the same codon, p.C130R c.388T>C, have been identified in individual(s) with features consistent with BMPR1A-related juvenile polyposis syndrome (Friedl W et al. Hum Genet, 2002 Jul;111:108-11). This amino acid position is highly conserved in available vertebrate species. In addition, this alteration is predicted to be deleterious by in silico analysis. Based on the majority of available evidence to date, this variant is likely to be pathogenic.

Literature cited by the submitters: PubMed 12136244.

NM_004329.3(BMPR1A):c.389G>A (p.Cys130Tyr)

Gene: BMPR1A (bone morphogenetic protein receptor type 1A; plus strand). Cytogenetic location: 10q23.2.
Variant type: single nucleotide variant.
Coding change: c.389G>A on transcript NM_004329.3 (MANE Select); coding-DNA position 389, G replaced by A.
Protein change: p.Cys130Tyr; replaces cysteine 130 with tyrosine.
Molecular consequence: missense variant. On other transcripts: non-coding transcript variant (3), intron variant (1).
Genome position (GRCh38, 1-based): chr10:86,899,849, G>A. VCF-style: chr10-86899849-G-A. GRCh37 (hg19) VCF-style: chr10-88659606-G-A.
Other names: c.389G>A, p.Cys130Tyr (NM_001406579.1, NM_001406580.1, NM_001406581.1 and 22 more transcripts); c.305G>A, p.Cys102Tyr (NM_001406584.1, NM_001406585.1, NM_001406586.1 and 2 more transcripts); c.333+7620G>A (NM_001406589.1); short protein forms C102Y, C130Y.
Identifiers: ClinVar variation 5032946 (VCV005032946.1).